The following is an entry in ClinVar:

ClinVar aggregate classification (germline): Uncertain significance (1 of 4 stars; one submission).

Conditions:
Hereditary diffuse gastric adenocarcinoma (HDGC). Also called: DIFFUSE GASTRIC AND LOBULAR BREAST CANCER SYNDROME. Identifiers: Orphanet 26106, MedGen C1708349, MONDO:0007648, OMIM 137215.

Allele frequency attached by ClinVar (database versions not stated): gnomAD exomes below 0.00001.
gnomAD v4.1: 1 of 1,614,028 alleles (0.000062%); highest among the groups gnomAD compares: South Asian, 0.0011%; no homozygotes.

Submission:

Labcorp Genetics (formerly Invitae), Labcorp
Classification: Uncertain significance for Hereditary diffuse gastric adenocarcinoma. Last evaluated: 2017-06-20. Review status: criteria provided, single submitter. Criteria: Invitae Variant Classification Sherloc (09022015). Collection method: clinical testing. Allele origin: germline.
Comment: This sequence change replaces leucine with valine at codon 548 of the CDH1 protein (p.Leu548Val). The leucine residue is moderately conserved and there is a small physicochemical difference between leucine and valine. This variant is not present in population databases (ExAC no frequency). This variant has not been reported in the literature in individuals with a CDH1-related disease. Algorithms developed to predict the effect of missense changes on protein structure and function do not agree on the potential impact of this missense change (SIFT: "Tolerated"; PolyPhen-2: "Possibly Damaging"; Align-GVGD: "Class C0"). Algorithms developed to predict the effect of sequence changes on RNA splicing suggest that this variant may create or strengthen a splice site, but this prediction has not been confirmed by published transcriptional studies. In summary, this variant has uncertain impact on CDH1 function. The available evidence is currently insufficient to determine its role in disease. Therefore, it has been classified as a Variant of Uncertain Significance.

NM_004360.5(CDH1):c.1642C>G (p.Leu548Val)

Gene: CDH1 (cadherin 1; plus strand). Cytogenetic location: 16q22.1.
Variant type: single nucleotide variant.
Coding change: c.1642C>G on transcript NM_004360.5 (MANE Select); coding-DNA position 1642, C replaced by G.
Protein change: p.Leu548Val; replaces leucine 548 with valine.
Molecular consequence: missense variant. On other transcripts: intron variant (1).
Genome position (GRCh38, 1-based): chr16:68,819,356, C>G. VCF-style: chr16-68819356-C-G. GRCh37 (hg19) VCF-style: chr16-68853259-C-G.
Other names: c.1642C>G (LRG_301t1); c.1459C>G, p.Leu487Val (NM_001317184.2); c.94C>G, p.Leu32Val (NM_001317185.2); c.-254-2645C>G (NM_001317186.2); short protein forms L548V, L32V, L487V.
Identifiers: ClinVar variation 463725 (VCV000463725.9), dbSNP rs1181682630, ClinGen allele CA396465185.
Genomic context (GRCh38, chr16:68,819,356, plus strand): 5'-GACACTGCCAACTGGCTGGAGATTAATCCGGACACTGGTGCCATTTCCACTCGGGCTGAG[C>G]TGGACAGGGAGGATTTTGAGCACGTGAAGAACAGCACGTACACAGCCCTAATCATAGCTA-3'
Protein context (NP_004351.1, residues 538-558): DTGAISTRAE[Leu548Val]DREDFEHVKN